The following is an entry in ClinVar:

ClinVar aggregate classification (germline): Uncertain significance. Review status: criteria provided, multiple submitters, no conflicts (2 of 4 stars). 2 submissions from 2 submitters: Uncertain significance (2). Last evaluated 2025-11-12.

Conditions:
Inborn genetic diseases. Identifiers: MedGen C0950123, MeSH D030342.
Short-rib thoracic dysplasia 6 with or without polydactyly (SRTD6). Also called: Majewski Syndrome; SHORT RIB-POLYDACTYLY SYNDROME, TYPE IIA; SHORT-RIB THORACIC DYSPLASIA 6 WITH POLYDACTYLY; SHORT-RIB THORACIC DYSPLASIA 6 WITHOUT POLYDACTYLY; POLYDACTYLY WITH NEONATAL CHONDRODYSTROPHY, TYPE II. Identifiers: MedGen C0024507, MONDO:0009894, OMIM 263520.

Allele frequency attached by ClinVar (database versions not stated): TOPMed below 0.00001; gnomAD exomes 0.00001.
gnomAD v4.1: 3 of 1,613,824 alleles (0.00019%); highest among the groups gnomAD compares: Admixed American, 0.005%; no homozygotes.

Submissions (2):

Ambry Genetics
Classification: Uncertain significance for Inborn genetic diseases. Last evaluated: 2025-11-12. Review status: criteria provided, single submitter. Criteria: Ambry Variant Classification Scheme 2023. Collection method: clinical testing. Allele origin: germline.

Labcorp Genetics (formerly Invitae), Labcorp
Classification: Uncertain significance for Short-rib thoracic dysplasia 6 with or without polydactyly. Last evaluated: 2024-10-16. Review status: criteria provided, single submitter. Criteria: Invitae Variant Classification Sherloc (09022015). Collection method: clinical testing. Allele origin: germline.
Comment: This sequence change replaces glycine, which is neutral and non-polar, with glutamic acid, which is acidic and polar, at codon 490 of the NEK1 protein (p.Gly490Glu). This variant is not present in population databases (gnomAD no frequency). This variant has not been reported in the literature in individuals affected with NEK1-related conditions. ClinVar contains an entry for this variant (Variation ID: 2042782). Invitae Evidence Modeling of protein sequence and biophysical properties (such as structural, functional, and spatial information, amino acid conservation, physicochemical variation, residue mobility, and thermodynamic stability) indicates that this missense variant is not expected to disrupt NEK1 protein function with a negative predictive value of 95%. In summary, the available evidence is currently insufficient to determine the role of this variant in disease. Therefore, it has been classified as a Variant of Uncertain Significance.

NM_001199397.3(NEK1):c.1469G>A (p.Gly490Glu)

Gene: NEK1 (NIMA related kinase 1; minus strand). Cytogenetic location: 4q33.
Variant type: single nucleotide variant.
Coding change: c.1469G>A on transcript NM_001199397.3 (MANE Select); coding-DNA position 1469, G replaced by A.
Protein change: p.Gly490Glu; replaces glycine 490 with glutamic acid.
Molecular consequence: missense variant. On other transcripts: non-coding transcript variant (1), intron variant (3).
Genome position (GRCh38, 1-based): chr4:169,555,813, C>T on the plus strand (G>A on the coding strand, the complement: NEK1 is on the minus strand). VCF-style: chr4-169555813-C-T. GRCh37 (hg19) VCF-style: chr4-170476964-C-T.
Other names: c.1469G>A (NM_012224.2); c.1469G>A, p.Gly490Glu (NM_001374418.1, NM_001374419.1, NM_012224.4); c.1418G>A, p.Gly473Glu (NM_001374420.1); c.1343G>A, p.Gly448Glu (NM_001374421.1); c.1355+119G>A (NM_001199399.3); c.1430+119G>A (NM_001199398.3, NM_001199400.3); short protein forms G448E, G473E, G490E.
Identifiers: ClinVar variation 2042782 (VCV002042782.5), dbSNP rs1762081398, ClinGen allele CA358733754.